The following is an entry in ClinVar:

ClinVar aggregate classification (germline): Uncertain significance. Review status: criteria provided, multiple submitters, no conflicts (2 of 4 stars). 2 submissions from 2 submitters: Uncertain significance (2). Last evaluated 2022-05-04.

Allele frequency attached by ClinVar (database versions not stated): gnomAD exomes 0.00002 and 0.00006; ExAC 0.00005; ESP Exome Variant Server 0.00008; gnomAD 0.00009; TOPMed 0.00010; 1000 Genomes Project 0.00020; 1000 Genomes Project 30x 0.00031.
gnomAD v4.1: 26 of 1,613,848 alleles (0.0016%); highest among the groups gnomAD compares: African/African-American, 0.025%; no homozygotes.

Submissions (2):

Labcorp Genetics (formerly Invitae), Labcorp
Classification: Uncertain significance. Last evaluated: 2022-05-04. Review status: criteria provided, single submitter. Criteria: Invitae Variant Classification Sherloc (09022015). Collection method: clinical testing. Allele origin: germline.
Comment: This variant has not been reported in the literature in individuals affected with OBSL1-related conditions. ClinVar contains an entry for this variant (Variation ID: 1312742). Algorithms developed to predict the effect of missense changes on protein structure and function are either unavailable or do not agree on the potential impact of this missense change (SIFT: "Deleterious"; PolyPhen-2: "Benign"; Align-GVGD: "Class C0"). In summary, the available evidence is currently insufficient to determine the role of this variant in disease. Therefore, it has been classified as a Variant of Uncertain Significance. This sequence change replaces valine, which is neutral and non-polar, with methionine, which is neutral and non-polar, at codon 997 of the OBSL1 protein (p.Val997Met). This variant is present in population databases (rs370476721, gnomAD 0.07%).

GeneDx
Classification: Uncertain significance. Last evaluated: 2020-06-22. Review status: criteria provided, single submitter. Criteria: GeneDx Variant Classification Process June 2021. Collection method: clinical testing. Allele origin: germline. Affected: yes.
Comment: In silico analysis supports that this missense variant does not alter protein structure/function; Has not been previously published as pathogenic or benign to our knowledge

NM_015311.3(OBSL1):c.2989G>A (p.Val997Met)

Gene: OBSL1 (obscurin like cytoskeletal adaptor 1; minus strand). Cytogenetic location: 2q35.
Variant type: single nucleotide variant.
Coding change: c.2989G>A on transcript NM_015311.3 (MANE Select); coding-DNA position 2989, G replaced by A.
Protein change: p.Val997Met; replaces valine 997 with methionine.
Molecular consequence: missense variant.
Genome position (GRCh38, 1-based): chr2:219,559,462, C>T on the plus strand (G>A on the coding strand, the complement: OBSL1 is on the minus strand). VCF-style: chr2-219559462-C-T. GRCh37 (hg19) VCF-style: chr2-220424184-C-T.
Other names: c.2989G>A, p.Val997Met (NM_001173431.2); short protein forms V997M.
Identifiers: ClinVar variation 1312742 (VCV001312742.4), dbSNP rs370476721, ClinGen allele CA2130996.
Genomic context (GRCh38, chr2:219,559,462, plus strand): 5'-CCTCCCGAGACAGTTCACACATCAGCACCACACACTCCAAGGTCACGGCGATCAAGGTCA[C>T]CTCATCGCGAGGGTATATGATCCGCACTGGGGGTTCTGCAGGGTGGGGACAACCACAGCC-3'
Protein context (NP_056126.1, residues 987-1007): PVRIIYPRDE[Val997Met]TLIAVTLECV